The following is an entry in ClinVar:

ClinVar aggregate classification (germline): Conflicting classifications of pathogenicity. Review status: criteria provided, conflicting classifications (1 of 4 stars). 5 submissions from 5 submitters: Uncertain significance (3); Likely benign (2). Last evaluated 2024-10-15.

Conditions:
Fanconi anemia (FA). Also called: Fanconi's anemia. Identifiers: Orphanet 84, MedGen C0015625, MeSH D005199, MONDO:0019391.
Spermatogenic failure 28. Identifiers: MedGen C4748117, MONDO:0054732, OMIM 618086.
Premature ovarian failure 15. Identifiers: MedGen C4748170, MONDO:0054862, OMIM 618096.
Inborn genetic diseases. Identifiers: MedGen C0950123, MeSH D030342.

Allele frequency attached by ClinVar (database versions not stated): ExAC 0.00001; gnomAD exomes 0.00001; TOPMed 0.00001; ESP Exome Variant Server 0.00008.

Submissions (5):

Ambry Genetics
Classification: Likely benign for Inborn genetic diseases. Last evaluated: 2024-10-15. Review status: criteria provided, single submitter. Criteria: Ambry Variant Classification Scheme 2023. Collection method: clinical testing. Allele origin: germline.

Labcorp Genetics (formerly Invitae), Labcorp
Classification: Uncertain significance for Fanconi anemia. Last evaluated: 2023-11-06. Review status: criteria provided, single submitter. Criteria: Invitae Variant Classification Sherloc (09022015). Collection method: clinical testing. Allele origin: germline.
Comment: This sequence change replaces valine, which is neutral and non-polar, with methionine, which is neutral and non-polar, at codon 1718 of the FANCM protein (p.Val1718Met). This variant is present in population databases (rs371629950, gnomAD 0.002%). This variant has not been reported in the literature in individuals affected with FANCM-related conditions. ClinVar contains an entry for this variant (Variation ID: 1203713). Algorithms developed to predict the effect of missense changes on protein structure and function output the following: SIFT: "Not Available"; PolyPhen-2: "Benign"; Align-GVGD: "Not Available". The methionine amino acid residue is found in multiple mammalian species, which suggests that this missense change does not adversely affect protein function. In summary, the available evidence is currently insufficient to determine the role of this variant in disease. Therefore, it has been classified as a Variant of Uncertain Significance.

Blueprint Genetics
Classification: Likely benign. Last evaluated: 2023-09-13. Review status: criteria provided, single submitter. Criteria: ACMG Guidelines, 2015. Collection method: clinical testing. Allele origin: germline.

GeneDx
Classification: Uncertain significance. Last evaluated: 2023-03-30. Review status: criteria provided, single submitter. Criteria: GeneDx Variant Classification Process June 2021. Collection method: clinical testing. Allele origin: germline. Affected: yes.
Comment: Not observed at significant frequency in large population cohorts (gnomAD); In silico analysis supports that this missense variant does not alter protein structure/function; Has not been previously published as pathogenic or benign to our knowledge

Fulgent Genetics
Classification: Uncertain significance for Spermatogenic failure 28; Premature ovarian failure 15. Last evaluated: 2022-05-27. Review status: criteria provided, single submitter. Criteria: ACMG Guidelines, 2015. Collection method: clinical testing. Allele origin: unknown.

NM_020937.4(FANCM):c.5152G>A (p.Val1718Met)

Gene: FANCM (FA complementation group M; plus strand). Cytogenetic location: 14q21.2.
Variant type: single nucleotide variant.
Coding change: c.5152G>A on transcript NM_020937.4 (MANE Select); coding-DNA position 5152, G replaced by A.
Protein change: p.Val1718Met; replaces valine 1718 with methionine.
Molecular consequence: missense variant.
Genome position (GRCh38, 1-based): chr14:45,189,174, G>A. VCF-style: chr14-45189174-G-A. GRCh37 (hg19) VCF-style: chr14-45658377-G-A.
Other names: c.5074G>A, p.Val1692Met (NM_001308133.2); short protein forms V1692M, V1718M.
Identifiers: ClinVar variation 1203713 (VCV001203713.15), dbSNP rs371629950, ClinGen allele CA7169916.